The following is an entry in ClinVar:

ClinVar aggregate classification (germline): Pathogenic/Likely pathogenic. Review status: criteria provided, multiple submitters, no conflicts (2 of 4 stars). 5 submissions from 5 submitters: Pathogenic (1); Likely pathogenic (3). 1 of the submissions does not count toward it. Last evaluated 2025-07-15.

Conditions:
Medium-chain acyl-coenzyme A dehydrogenase deficiency (ACADMD). Also called: MCADH DEFICIENCY; MCADD; ACADM DEFICIENCY; CARNITINE DEFICIENCY SECONDARY TO MEDIUM-CHAIN ACYL-CoA DEHYDROGENASE DEFICIENCY; Medium chain acyl-CoA dehydrogenase deficiency; MCAD Deficiency. Identifiers: Orphanet 42, MedGen C0220710, MONDO:0008721, OMIM 201450.

Allele frequency attached by ClinVar (database versions not stated): gnomAD exomes below 0.00001.
gnomAD v4.1: 2 of 1,610,018 alleles (0.00012%); highest among the groups gnomAD compares: Non-Finnish European, 0.00017%; no homozygotes.

Submissions (5):

Women's Health and Genetics/Laboratory Corporation of America, LabCorp
Classification: Likely pathogenic for Medium-chain acyl-coenzyme A dehydrogenase deficiency. Last evaluated: 2025-07-15. Review status: criteria provided, single submitter. Criteria: LabCorp Variant Classification Summary - May 2015. Collection method: clinical testing. Allele origin: germline.
Comment: Variant summary: ACADM c.473A>G (p.Tyr158Cys) results in a non-conservative amino acid change located in the Acyl-CoA oxidase/dehydrogenase, middle domain (IPR006091) of the encoded protein sequence. Algorithms developed to predict the effect of missense changes on protein structure and function all suggest that this variant is likely to be disruptive. The variant was absent in 249568 control chromosomes. c.473A>G has been observed in at least one compound heterozygous individual affected with Medium Chain Acyl-CoA Dehydrogenase Deficiency (example: Derks_2008, Touw_2013, Jager_2019). At least one publication reports experimental evidence evaluating an impact on protein function. The most pronounced variant effect results in reduced affinity for the flavin adenine dinucleotide (FAD) cofactor and reduced catalytic activity when expressed in E. coli (Madeira_2023). Additionally, at least one missense variant at the Tyr158 residue has been reported as likely pathogenic/pathogenic in ClinVar (c.472T>C/p.Tyr158His), suggesting this codon could be critical for normal function of the protein. The following publications have been ascertained in the context of this evaluation (PMID: 18188679, 31012112, 37257730, 23509891). ClinVar contains an entry for this variant (Variation ID: 550256). Based on the evidence outlined above, the variant was classified as likely pathogenic.

Natera, Inc.
Classification: Likely pathogenic for Medium Chain Acyl-CoA Dehydrogenase Deficiency. Last evaluated: 2024-09-17. Review status: criteria provided, single submitter. Criteria: Natera Variant Classification Schema (03/2026). Collection method: clinical testing. Allele origin: germline.
Comment: The c.473A>G variant in ACADM is a missense variant predicted to cause substitution of tyrosine to cysteine at amino acid 158. This variant is rare in the general population with a frequency below the threshold expected for the associated phenotype(s). This variant has been observed in one or more individuals affected with the associated recessive disease, as either homozygous or compound heterozygous with a second variant (PMID: 18188679). A different variant at the same position has been determined to be Pathogenic or Likely Pathogenic. Computational prediction algorithms indicate this variant is likely to affect gene or protein function. Given the available evidence, this variant is classified as Likely Pathogenic.

Fulgent Genetics
Classification: Likely pathogenic for Medium-chain acyl-coenzyme A dehydrogenase deficiency. Last evaluated: 2024-05-29. Review status: criteria provided, single submitter. Criteria: ACMG Guidelines, 2015. Collection method: clinical testing. Allele origin: germline.

Labcorp Genetics (formerly Invitae), Labcorp
Classification: Pathogenic for Medium-chain acyl-coenzyme A dehydrogenase deficiency. Last evaluated: 2022-10-01. Review status: criteria provided, single submitter. Criteria: Invitae Variant Classification Sherloc (09022015). Collection method: clinical testing. Allele origin: germline.
Comment: This sequence change replaces tyrosine, which is neutral and polar, with cysteine, which is neutral and slightly polar, at codon 158 of the ACADM protein (p.Tyr158Cys). This variant is not present in population databases (gnomAD no frequency). This missense change has been observed in individual(s) with medium-chain acyl-CoA dehydrogenase (MCAD) deficiency (PMID: 23509891, 31012112). ClinVar contains an entry for this variant (Variation ID: 550256). Advanced modeling of protein sequence and biophysical properties (such as structural, functional, and spatial information, amino acid conservation, physicochemical variation, residue mobility, and thermodynamic stability) performed at Invitae indicates that this missense variant is expected to disrupt ACADM protein function. This variant disrupts the p.Tyr158 amino acid residue in ACADM. Other variant(s) that disrupt this residue have been determined to be pathogenic (PMID: 19224950, 24718418). This suggests that this residue is clinically significant, and that variants that disrupt this residue are likely to be disease-causing. For these reasons, this variant has been classified as Pathogenic.

Counsyl
Classification: Uncertain significance for Medium-chain acyl-coenzyme A dehydrogenase deficiency. Last evaluated: 2017-01-05. Review status: no assertion criteria provided. Collection method: clinical testing. Allele origin: unknown. Not counted in ClinVar's aggregate classification.

Literature cited by the submitters: PubMed 31012112 (cited by Women's Health and Genetics/Laboratory Corporation of America, LabCorp and Labcorp Genetics (formerly Invitae), Labcorp); PubMed 37257730 (cited by Women's Health and Genetics/Laboratory Corporation of America, LabCorp); PubMed 23509891 (cited by 3 submitters); PubMed 18188679 (cited by Women's Health and Genetics/Laboratory Corporation of America, LabCorp and Natera, Inc.); PubMed 19224950 (cited by Labcorp Genetics (formerly Invitae), Labcorp); PubMed 24718418 (cited by Labcorp Genetics (formerly Invitae), Labcorp).

NM_000016.6(ACADM):c.473A>G (p.Tyr158Cys)

Gene: ACADM (acyl-CoA dehydrogenase medium chain; plus strand). Cytogenetic location: 1p31.1.
Variant type: single nucleotide variant.
Coding change: c.473A>G on transcript NM_000016.6 (MANE Select); coding-DNA position 473, A replaced by G.
Protein change: p.Tyr158Cys; replaces tyrosine 158 with cysteine.
Molecular consequence: missense variant. On other transcripts: 5 prime UTR variant (1).
Genome position (GRCh38, 1-based): chr1:75,739,984, A>G. VCF-style: chr1-75739984-A-G. GRCh37 (hg19) VCF-style: chr1-76205669-A-G.
Other names: c.485A>G, p.Tyr162Cys (NM_001127328.3); c.365A>G, p.Tyr122Cys (NM_001286042.2); c.572A>G, p.Tyr191Cys (NM_001286043.2); c.-95A>G (NM_001286044.2); c.473A>G (NM_000016.5); short protein forms Y158C, Y191C, Y162C, Y122C.
Identifiers: ClinVar variation 550256 (VCV000550256.11), dbSNP rs1553123858, ClinGen allele CA340814815.